The following is an entry in ClinVar:

NM_007254.4(PNKP):c.1285G>A (p.Ala429Thr)

Gene: PNKP (polynucleotide kinase 3'-phosphatase; minus strand). Cytogenetic location: 19q13.33.
Variant type: single nucleotide variant.
Coding change: c.1285G>A on transcript NM_007254.4 (MANE Select); coding-DNA position 1285, G replaced by A.
Protein change: p.Ala429Thr; replaces alanine 429 with threonine.
Molecular consequence: missense variant.
Genome position (GRCh38, 1-based): chr19:49,861,785, C>T on the plus strand (G>A on the coding strand, the complement: PNKP is on the minus strand). VCF-style: chr19-49861785-C-T. GRCh37 (hg19) VCF-style: chr19-50365042-C-T.
Other names: c.1285G>A (NM_007254.3); short protein forms A429T.
Identifiers: ClinVar variation 1044296 (VCV001044296.7), dbSNP rs148386689, ClinGen allele CA9586491.

ClinVar aggregate classification (germline): Uncertain significance. Review status: criteria provided, multiple submitters, no conflicts (2 of 4 stars). 2 submissions from 2 submitters: Uncertain significance (2). Last evaluated 2025-09-22.

Conditions:
Developmental and epileptic encephalopathy, 12 (DEE12). Identifiers: MedGen C3150988, MONDO:0013389, OMIM 613722.
Inborn genetic diseases. Identifiers: MedGen C0950123, MeSH D030342.

Allele frequency attached by ClinVar (database versions not stated): TOPMed 0.00002; gnomAD 0.00003; ExAC 0.00004; ESP Exome Variant Server 0.00008.
gnomAD v4.1: 8 of 1,565,978 alleles (0.00051%); highest among the groups gnomAD compares: African/African-American, 0.0055%; no homozygotes.

Submissions (2):

Ambry Genetics
Classification: Uncertain significance for Inborn genetic diseases. Last evaluated: 2025-09-22. Review status: criteria provided, single submitter. Criteria: Ambry Variant Classification Scheme 2023. Collection method: clinical testing. Allele origin: germline.

Labcorp Genetics (formerly Invitae), Labcorp
Classification: Uncertain significance for Developmental and epileptic encephalopathy, 12. Last evaluated: 2022-07-13. Review status: criteria provided, single submitter. Criteria: Invitae Variant Classification Sherloc (09022015). Collection method: clinical testing. Allele origin: germline.
Comment: This sequence change replaces alanine, which is neutral and non-polar, with threonine, which is neutral and polar, at codon 429 of the PNKP protein (p.Ala429Thr). The frequency data for this variant in the population databases is considered unreliable, as metrics indicate poor data quality at this position in the gnomAD database. This variant has not been reported in the literature in individuals affected with PNKP-related conditions. ClinVar contains an entry for this variant (Variation ID: 1044296). Algorithms developed to predict the effect of missense changes on protein structure and function (SIFT, PolyPhen-2, Align-GVGD) all suggest that this variant is likely to be tolerated. In summary, the available evidence is currently insufficient to determine the role of this variant in disease. Therefore, it has been classified as a Variant of Uncertain Significance.